The following is an entry in ClinVar:

NM_001378452.1(ITPR1):c.5561G>A (p.Arg1854His)

Gene: ITPR1 (inositol 1,4,5-trisphosphate receptor type 1; plus strand). Cytogenetic location: 3p26.1.
Variant type: single nucleotide variant.
Coding change: c.5561G>A on transcript NM_001378452.1 (MANE Select); coding-DNA position 5561, G replaced by A.
Protein change: p.Arg1854His; replaces arginine 1854 with histidine.
Molecular consequence: missense variant.
Genome position (GRCh38, 1-based): chr3:4,766,546, G>A. VCF-style: chr3-4766546-G-A. GRCh37 (hg19) VCF-style: chr3-4808230-G-A.
Other names: c.5417G>A, p.Arg1806His (NM_001099952.4); c.5516G>A, p.Arg1839His (NM_001168272.2); c.5372G>A, p.Arg1791His (NM_002222.7); short protein forms R1791H, R1806H, R1839H, R1854H.
Identifiers: ClinVar variation 4537345 (VCV004537345.1).

ClinVar aggregate classification (germline): Uncertain significance (1 of 4 stars; one submission).

gnomAD v4.1: 10 of 1,613,176 alleles (0.00062%); highest among the groups gnomAD compares: East Asian, 0.0022%; no homozygotes.

Submission:

Women's Health and Genetics/Laboratory Corporation of America, LabCorp
Classification: Uncertain significance. Last evaluated: 2025-11-18. Review status: criteria provided, single submitter. Criteria: LabCorp Variant Classification Summary - May 2015. Collection method: clinical testing. Allele origin: germline.
Comment: Variant summary: ITPR1 c.5372G>A (p.Arg1791His) results in a non-conservative amino acid change in the encoded protein sequence. Algorithms developed to predict the effect of missense changes on protein structure and function all suggest that this variant is likely to be disruptive. The variant allele was found at a frequency of 8e-06 in 248920 control chromosomes. The available data on variant occurrences in the general population are insufficient to allow any conclusion about variant significance. To our knowledge, no occurrence of c.5372G>A in individuals affected with ITPR1-related conditions and no experimental evidence demonstrating its impact on protein function have been reported. No submitters have cited clinical-significance assessments for this variant to ClinVar. Based on the evidence outlined above, the variant was classified as uncertain significance.